The following is an entry in ClinVar:

ClinVar aggregate classification (germline): Uncertain significance (1 of 4 stars; one submission).

Allele frequency attached by ClinVar (database versions not stated): gnomAD 0.00001; ExAC 0.00002; gnomAD exomes 0.00002; TOPMed 0.00002.
gnomAD v4.1: 25 of 1,613,190 alleles (0.0015%); highest among the groups gnomAD compares: East Asian, 0.047%; no homozygotes.

Submission:

Ambry Genetics
Classification: Uncertain significance. Last evaluated: 2023-09-13. Review status: criteria provided, single submitter. Criteria: Ambry Variant Classification Scheme 2023. Collection method: clinical testing. Allele origin: germline.
Comment: The p.H716R variant (also known as c.2147A>G), located in coding exon 13 of the POLQ gene, results from an A to G substitution at nucleotide position 2147. The histidine at codon 716 is replaced by arginine, an amino acid with highly similar properties. This amino acid position is conserved. In addition, the in silico prediction for this alteration is inconclusive. Since supporting evidence is limited at this time, the clinical significance of this alteration remains unclear.

NM_199420.4(POLQ):c.2147A>G (p.His716Arg)

Gene: POLQ (DNA polymerase theta; minus strand). Cytogenetic location: 3q13.33.
Variant type: single nucleotide variant.
Coding change: c.2147A>G on transcript NM_199420.4 (MANE Select); coding-DNA position 2147, A replaced by G.
Protein change: p.His716Arg; replaces histidine 716 with arginine.
Molecular consequence: missense variant.
Genome position (GRCh38, 1-based): chr3:121,498,483, T>C on the plus strand (A>G on the coding strand, the complement: POLQ is on the minus strand). VCF-style: chr3-121498483-T-C. GRCh37 (hg19) VCF-style: chr3-121217330-T-C.
Other names: short protein forms H716R.
Identifiers: ClinVar variation 1786661 (VCV001786661.3), dbSNP rs779613344, ClinGen allele CA2563366.
Genomic context (GRCh38, chr3:121,498,483, plus strand): 5'-TACATGCAAGACACTGTGTTAAATACCGGAGAGCCCAGAGACCTTGACGTTTACCTTTTA[T>C]GGATGGCCATTTGTCGATGCTGTCTCTCAGTTCTGGCTACTACTTTTCCTTTCACACAAC-3'
Protein context (NP_955452.3, residues 706-726): TERQHRQMAI[His716Arg]KRFFTSLVLL